The following is an entry in ClinVar:

ClinVar aggregate classification (germline): Uncertain significance (1 of 4 stars; one submission).

Allele frequency attached by ClinVar (database versions not stated): gnomAD exomes below 0.00001 and 0.00001; ExAC 0.00001.

Submission:

Labcorp Genetics (formerly Invitae), Labcorp
Classification: Uncertain significance. Last evaluated: 2024-04-17. Review status: criteria provided, single submitter. Criteria: Invitae Variant Classification Sherloc (09022015). Collection method: clinical testing. Allele origin: germline.
Comment: This sequence change replaces isoleucine, which is neutral and non-polar, with valine, which is neutral and non-polar, at codon 724 of the PDE6A protein (p.Ile724Val). This variant is present in population databases (rs755688626, gnomAD 0.01%). This variant has not been reported in the literature in individuals affected with PDE6A-related conditions. ClinVar contains an entry for this variant (Variation ID: 943731). Advanced modeling of protein sequence and biophysical properties (such as structural, functional, and spatial information, amino acid conservation, physicochemical variation, residue mobility, and thermodynamic stability) performed at Invitae indicates that this missense variant is not expected to disrupt PDE6A protein function with a negative predictive value of 80%. In summary, the available evidence is currently insufficient to determine the role of this variant in disease. Therefore, it has been classified as a Variant of Uncertain Significance.

NM_000440.3(PDE6A):c.2170A>G (p.Ile724Val)

Gene: PDE6A (phosphodiesterase 6A; minus strand). Cytogenetic location: 5q32.
Variant type: single nucleotide variant.
Coding change: c.2170A>G on transcript NM_000440.3 (MANE Select); coding-DNA position 2170, A replaced by G.
Protein change: p.Ile724Val; replaces isoleucine 724 with valine.
Molecular consequence: missense variant.
Genome position (GRCh38, 1-based): chr5:149,868,124, T>C on the plus strand (A>G on the coding strand, the complement: PDE6A is on the minus strand). VCF-style: chr5-149868124-T-C. GRCh37 (hg19) VCF-style: chr5-149247687-T-C.
Other names: short protein forms I724V.
Identifiers: ClinVar variation 943731 (VCV000943731.9), dbSNP rs755688626, ClinGen allele CA3504383.
Genomic context (GRCh38, chr5:149,868,124, plus strand): 5'-CCCCTCCTCTTGGGTCAGCAGGAGTTCATACCTGGCTCTGCACCTCCCAGGGTTTGGTGA[T>C]GGCTGAGAGATCACAGGCGGTCATCATCATGGCCCTGGGCACACAGGACACCCTCTATCA-3'
Protein context (NP_000431.2, residues 714-734): MMMTACDLSA[Ile724Val]TKPWEVQSQV